The following is an entry in ClinVar:

ClinVar aggregate classification (germline): Uncertain significance (1 of 4 stars; one submission).

Conditions:
Inflammatory bowel disease 28. Also called: Inflammatory bowel disease 28, early onset, autosomal recessive. Identifiers: Orphanet 238569, MedGen C2751053, MONDO:0013153, OMIM 613148.

Submission:

Labcorp Genetics (formerly Invitae), Labcorp
Classification: Uncertain significance for Inflammatory bowel disease 28. Last evaluated: 2022-08-19. Review status: criteria provided, single submitter. Criteria: Invitae Variant Classification Sherloc (09022015). Collection method: clinical testing. Allele origin: germline.
Comment: This variant is present in population databases (no rsID available, gnomAD 0.003%). This sequence change replaces lysine, which is basic and polar, with asparagine, which is neutral and polar, at codon 149 of the IL10RA protein (p.Lys149Asn). This variant has not been reported in the literature in individuals affected with IL10RA-related conditions. In summary, the available evidence is currently insufficient to determine the role of this variant in disease. Therefore, it has been classified as a Variant of Uncertain Significance. Algorithms developed to predict the effect of missense changes on protein structure and function (SIFT, PolyPhen-2, Align-GVGD) all suggest that this variant is likely to be tolerated. ClinVar contains an entry for this variant (Variation ID: 1007907).

NM_001558.4(IL10RA):c.447G>T (p.Lys149Asn)

Gene: IL10RA (interleukin 10 receptor subunit alpha; plus strand). Cytogenetic location: 11q23.3.
Variant type: single nucleotide variant.
Coding change: c.447G>T on transcript NM_001558.4 (MANE Select); coding-DNA position 447, G replaced by T.
Protein change: p.Lys149Asn; replaces lysine 149 with asparagine.
Molecular consequence: missense variant. On other transcripts: non-coding transcript variant (1).
Genome position (GRCh38, 1-based): chr11:117,993,320, G>T. VCF-style: chr11-117993320-G-T. GRCh37 (hg19) VCF-style: chr11-117864035-G-T.
Other names: short protein forms K149N.
Identifiers: ClinVar variation 1007907 (VCV001007907.6), dbSNP rs750580462, ClinGen allele CA382774584.
Genomic context (GRCh38, chr11:117,993,320, plus strand): 5'-TGTGAACCTAGAGATCCACAATGGCTTCATCCTCGGGAAGATTCAGCTACCCAGGCCCAA[G>T]ATGGCCCCCGCAAATGACACATATGAAAGCATCTTCAGTCACTTCCGAGAGTATGAGATT-3'
Protein context (NP_001549.2, residues 139-159): ILGKIQLPRP[Lys149Asn]MAPANDTYES